The following is an entry in ClinVar:

ClinVar aggregate classification (germline): Conflicting classifications of pathogenicity. Review status: criteria provided, conflicting classifications (1 of 4 stars). 2 submissions from 2 submitters: Likely pathogenic (1); Uncertain significance (1). Last evaluated 2026-06-16.

Conditions:
Very long chain acyl-CoA dehydrogenase deficiency (ACADVLD). Also called: Very Long-Chain Acyl-Coenzyme A Dehydrogenase Deficiency; VLCAD Deficiency. Identifiers: Orphanet 26793, MedGen C3887523, MONDO:0008723, OMIM 201475.

Submissions (2):

Myriad Genetics, Inc.
Classification: Uncertain significance for Very long chain acyl-CoA dehydrogenase deficiency. Last evaluated: 2026-06-16. Review status: criteria provided, single submitter. Criteria: Myriad Autosomal Dominant, Autosomal Recessive and X-Linked Classification Criteria (2023). Collection method: clinical testing. Allele origin: unknown.
Comment: NM_000018.3(ACADVL):c.205-8_205-7delCT is an intronic variant classified as a variant of uncertain significance in the context of very-long-chain acyl-CoA dehydrogenase deficiency. c.205-8_205-7delCT has not been observed in cases with relevant disease. Relevant functional assessments of this variant are not available in the literature. c.205-8_205-7delCT has been observed in referenced population frequency databases. In summary, there is insufficient evidence to classify NM_000018.3(ACADVL):c.205-8_205-7delCT as pathogenic or benign. Please note: this variant was assessed in the context of healthy population screening.

Labcorp Genetics (formerly Invitae), Labcorp
Classification: Likely pathogenic for Very long chain acyl-CoA dehydrogenase deficiency. Last evaluated: 2025-07-10. Review status: criteria provided, single submitter. Criteria: Invitae Variant Classification Sherloc (09022015). Collection method: clinical testing. Allele origin: germline.
Comment: This sequence change falls in intron 3 of the ACADVL gene. It does not directly change the encoded amino acid sequence of the ACADVL protein. This variant is present in population databases (rs745642661, gnomAD 0.003%). This variant has been observed in individual(s) with Very long chain acyl-CoA dehydrogenase deficiency (PMID: 30194637, 33986768). Algorithms developed to predict the effect of sequence changes on RNA splicing suggest that this variant may disrupt the consensus splice site. In summary, the currently available evidence indicates that the variant is pathogenic, but additional data are needed to prove that conclusively. Therefore, this variant has been classified as Likely Pathogenic.

Literature cited by the submitters: PubMed 30194637 (cited by Labcorp Genetics (formerly Invitae), Labcorp); PubMed 33986768 (cited by Labcorp Genetics (formerly Invitae), Labcorp).

NM_000018.4(ACADVL):c.205-14CT[3]

Gene: ACADVL (acyl-CoA dehydrogenase very long chain; plus strand). Cytogenetic location: 17p13.1.
Variant type: Microsatellite.
Coding change: c.205-14CT[3] on transcript NM_000018.4 (MANE Select); three copies in a row of the 2-base unit CT starting at c.205-14; the reference has four copies in a row; one copy, 2 bases deleted.
Molecular consequence: intron variant.
Genome position (GRCh38, 1-based): chr17:7,220,596-7,220,597, CT deleted; deleting any 2 consecutive bases within chr17:7,220,590-7,220,597 gives the same sequence; the position shown is the placement nearest the transcript's 3' end. VCF-style (leftmost placement, unchanged base first): chr17-7220589-CCT-C. GRCh37 (hg19) VCF-style: chr17-7123908-CCT-C.
Other names: c.274-14CT[3] (NM_001270447.2); c.-24-14CT[3] (NM_001270448.2); c.139-14CT[3] (NM_001033859.3).
Identifiers: ClinVar variation 3705788 (VCV003705788.3).